The following is an entry in ClinVar:

NM_031935.3(HMCN1):c.10442A>G (p.His3481Arg)

Gene: HMCN1 (hemicentin 1; plus strand). Cytogenetic location: 1q31.1.
Variant type: single nucleotide variant.
Coding change: c.10442A>G on transcript NM_031935.3 (MANE Select); coding-DNA position 10442, A replaced by G.
Protein change: p.His3481Arg; replaces histidine 3481 with arginine.
Molecular consequence: missense variant.
Genome position (GRCh38, 1-based): chr1:186,095,390, A>G. VCF-style: chr1-186095390-A-G. GRCh37 (hg19) VCF-style: chr1-186064522-A-G.
Other names: short protein forms H3481R.
Identifiers: ClinVar variation 1919404 (VCV001919404.5), dbSNP rs759781224, ClinGen allele CA1293725.

ClinVar aggregate classification (germline): Uncertain significance (1 of 4 stars; one submission).

Allele frequency attached by ClinVar (database versions not stated): ExAC 0.00001; gnomAD exomes 0.00001.
gnomAD v4.1: 22 of 1,613,760 alleles (0.0014%); highest among the groups gnomAD compares: Middle Eastern, 0.017%; no homozygotes.

Submission:

Labcorp Genetics (formerly Invitae), Labcorp
Classification: Uncertain significance. Last evaluated: 2024-01-22. Review status: criteria provided, single submitter. Criteria: Invitae Variant Classification Sherloc (09022015). Collection method: clinical testing. Allele origin: germline.
Comment: This sequence change replaces histidine, which is basic and polar, with arginine, which is basic and polar, at codon 3481 of the HMCN1 protein (p.His3481Arg). This variant is present in population databases (rs759781224, gnomAD 0.0009%). This variant has not been reported in the literature in individuals affected with HMCN1-related conditions. ClinVar contains an entry for this variant (Variation ID: 1919404). Algorithms developed to predict the effect of missense changes on protein structure and function output the following: SIFT: "Not Available"; PolyPhen-2: "Benign"; Align-GVGD: "Not Available". The arginine amino acid residue is found in multiple mammalian species, which suggests that this missense change does not adversely affect protein function. In summary, the available evidence is currently insufficient to determine the role of this variant in disease. Therefore, it has been classified as a Variant of Uncertain Significance.